The following is an entry in ClinVar:

ClinVar aggregate classification (germline): Uncertain significance (1 of 4 stars; one submission).

gnomAD v4.1: 6 of 1,211,312 alleles (0.0005%); highest among the groups gnomAD compares: Non-Finnish European, 0.00056%; no homozygotes.

Submission:

Labcorp Genetics (formerly Invitae), Labcorp
Classification: Uncertain significance. Last evaluated: 2025-10-14. Review status: criteria provided, single submitter. Criteria: Invitae Variant Classification Sherloc (09022015). Collection method: clinical testing. Allele origin: germline.
Comment: This sequence change replaces glutamic acid, which is acidic and polar, with glycine, which is neutral and non-polar, at codon 510 of the AMER1 protein (p.Glu510Gly). This variant is not present in population databases (gnomAD no frequency). This variant has not been reported in the literature in individuals affected with AMER1-related conditions. An algorithm developed to predict the effect of missense changes on protein structure and function (PolyPhen-2) suggests that this variant is likely to be disruptive. In summary, the available evidence is currently insufficient to determine the role of this variant in disease. Therefore, it has been classified as a Variant of Uncertain Significance.

NM_152424.4(AMER1):c.1529A>G (p.Glu510Gly)

Gene: AMER1 (APC membrane recruitment protein 1; minus strand). Cytogenetic location: Xq11.2.
Variant type: single nucleotide variant.
Coding change: c.1529A>G on transcript NM_152424.4 (MANE Select); coding-DNA position 1529, A replaced by G.
Protein change: p.Glu510Gly; replaces glutamic acid 510 with glycine.
Molecular consequence: missense variant.
Genome position (GRCh38, 1-based): chrX:64,191,758, T>C on the plus strand (A>G on the coding strand, the complement: AMER1 is on the minus strand). VCF-style: chrX-64191758-T-C. GRCh37 (hg19) VCF-style: chrX-63411638-T-C.
Other names: short protein forms E510G.
Identifiers: ClinVar variation 4805019 (VCV004805019.1).